The following is an entry in ClinVar:

NM_001378452.1(ITPR1):c.1943C>T (p.Thr648Ile)

Gene: ITPR1 (inositol 1,4,5-trisphosphate receptor type 1; plus strand). Cytogenetic location: 3p26.1.
Variant type: single nucleotide variant.
Coding change: c.1943C>T on transcript NM_001378452.1 (MANE Select); coding-DNA position 1943, C replaced by T.
Protein change: p.Thr648Ile; replaces threonine 648 with isoleucine.
Molecular consequence: missense variant.
Genome position (GRCh38, 1-based): chr3:4,669,710, C>T. VCF-style: chr3-4669710-C-T. GRCh37 (hg19) VCF-style: chr3-4711394-C-T.
Other names: c.1943C>T, p.Thr648Ile (NM_001099952.4); c.1898C>T, p.Thr633Ile (NM_001168272.2, NM_002222.7); short protein forms T633I, T648I.
Identifiers: ClinVar variation 3344034 (VCV003344034.1).
Genomic context (GRCh38, chr3:4,669,710, plus strand): 5'-TTAGATTCTTAGATTACCTCTCCGACCTCTGTGTCTCCATGAACAAATCAATTCCAGTGA[C>T]CCAGGAACTGATATGTAAAGCTGTGCTGAACCCCACCAACGCTGACATCCTGATTGAGAC-3'
Protein context (NP_001365381.1, residues 638-658): CVSMNKSIPV[Thr648Ile]QELICKAVLN

ClinVar aggregate classification (germline): Uncertain significance (0 of 4 stars; one submission).

Conditions:
ITPR1-related disorder. Also called: ITPR1-related condition.

Submission:

PreventionGenetics, part of Exact Sciences
Classification: Uncertain significance for ITPR1-related condition. Last evaluated: 2024-05-14. Review status: no assertion criteria provided. Collection method: clinical testing. Allele origin: germline.
Comment: The ITPR1 c.1898C>T variant is predicted to result in the amino acid substitution p.Thr633Ile. To our knowledge, this variant has not been reported in the literature or in a large population database, indicating this variant is rare. At this time, the clinical significance of this variant is uncertain due to the absence of conclusive functional and genetic evidence.